The following is an entry in ClinVar:

ClinVar aggregate classification (germline): Uncertain significance. Review status: criteria provided, multiple submitters, no conflicts (2 of 4 stars). 2 submissions from 2 submitters: Uncertain significance (2). Last evaluated 2025-04-02.

gnomAD v4.1: 22 of 1,614,180 alleles (0.0014%); highest among the groups gnomAD compares: Non-Finnish European, 0.0018%; no homozygotes.

Submissions (2):

Ambry Genetics
Classification: Uncertain significance. Last evaluated: 2025-04-02. Review status: criteria provided, single submitter. Criteria: Ambry Variant Classification Scheme 2023. Collection method: clinical testing. Allele origin: germline.

GeneDx
Classification: Uncertain significance. Last evaluated: 2023-05-25. Review status: criteria provided, single submitter. Criteria: GeneDx Variant Classification Process June 2021. Collection method: clinical testing. Allele origin: germline. Affected: yes.
Comment: Not observed at significant frequency in large population cohorts (gnomAD); In silico analysis supports that this missense variant has a deleterious effect on protein structure/function; Has not been previously published as pathogenic or benign to our knowledge

NM_004568.6(SERPINB6):c.169C>T (p.Leu57Phe)

Gene: SERPINB6 (serpin family B member 6; minus strand). Cytogenetic location: 6p25.2.
Variant type: single nucleotide variant.
Coding change: c.169C>T on transcript NM_004568.6 (MANE Select); coding-DNA position 169, C replaced by T.
Protein change: p.Leu57Phe; replaces leucine 57 with phenylalanine.
Molecular consequence: missense variant. On other transcripts: non-coding transcript variant (1).
Genome position (GRCh38, 1-based): chr6:2,955,667, G>A on the plus strand (C>T on the coding strand, the complement: SERPINB6 is on the minus strand). VCF-style: chr6-2955667-G-A. GRCh37 (hg19) VCF-style: chr6-2955901-G-A.
Other names: c.181C>T, p.Leu61Phe (NM_001195291.3, NM_001374515.1); c.211C>T, p.Leu71Phe (NM_001271822.2); c.226C>T, p.Leu76Phe (NM_001271823.2); c.169C>T, p.Leu57Phe (NM_001271824.2, NM_001271825.2, NM_001297699.2 and 2 more transcripts); c.37C>T, p.Leu13Phe (NM_001374517.1); short protein forms L13F, L57F, L61F, L71F, L76F.
Identifiers: ClinVar variation 3343511 (VCV003343511.2).